The following is an entry in ClinVar:

NM_000810.4(GABRA5):c.1372G>C (p.Ala458Pro)

Gene: GABRA5 (gamma-aminobutyric acid type A receptor subunit alpha5; plus strand). Cytogenetic location: 15q12.
Variant type: single nucleotide variant.
Coding change: c.1372G>C on transcript NM_000810.4 (MANE Select); coding-DNA position 1372, G replaced by C.
Protein change: p.Ala458Pro; replaces alanine 458 with proline.
Molecular consequence: missense variant.
Genome position (GRCh38, 1-based): chr15:26,948,216, G>C. VCF-style: chr15-26948216-G-C. GRCh37 (hg19) VCF-style: chr15-27193363-G-C.
Other names: c.1372G>C, p.Ala458Pro (NM_001165037.2); short protein forms A458P.
Identifiers: ClinVar variation 3377666 (VCV003377666.1).

ClinVar aggregate classification (germline): Uncertain significance (1 of 4 stars; one submission).

Conditions:
Developmental and epileptic encephalopathy, 79. Also called: EPILEPTIC ENCEPHALOPATHY, EARLY INFANTILE, 79. Identifiers: MedGen C5231410, MONDO:0032813, OMIM 618559.

Submission:

Neuberg Centre For Genomic Medicine, NCGM
Classification: Uncertain significance for Developmental and epileptic encephalopathy, 79. Last evaluated: 2023-06-22. Review status: criteria provided, single submitter. Criteria: ACMG Guidelines, 2015. Collection method: clinical testing. Allele origin: germline. Inheritance: Autosomal dominant inheritance. Affected: yes.
Comment: The observed missense variant c.1372G>C(p.Ala458Pro) in GABRA5 gene has not been reported previously as a pathogenic variant nor as a benign variant, to our knowledge. The (p.Ala458Pro) variant is absent in gnomAD Exomes. The amino acid Ala at position 458 is changed to a Pro changing protein sequence and it might alter its composition and physico-chemical properties. The reference amino acid p.Ala458Pro in GABRA5 is predicted as conserved by GERP++ and PhyloP across 100 vertebrates. Computational evidence (Polyphen-Benign, SIFT-Tolerated and Mutation Taster-disease causing) predicts conflicting evidence on protein structure and function for this variant. For these reasons, this variant has been classified as Uncertain Significance.